The following is an entry in ClinVar:

NM_007294.4(BRCA1):c.5193+16T>G

Gene: BRCA1 (BRCA1 DNA repair associated; minus strand). Cytogenetic location: 17q21.31.
Variant type: single nucleotide variant.
Coding change: c.5193+16T>G on transcript NM_007294.4 (MANE Select); 16 bases into the intron after coding-DNA position 5193, T replaced by G.
Molecular consequence: intron variant.
Genome position (GRCh38, 1-based): chr17:43,063,317, A>C on the plus strand (T>G on the coding strand, the complement: BRCA1 is on the minus strand). VCF-style: chr17-43063317-A-C. GRCh37 (hg19) VCF-style: chr17-41215334-A-C.
Other names: c.5187+16T>G (NM_001407629.1, NM_001407636.1, NM_001407639.1 and 14 more transcripts); c.5190+16T>G (NM_001407612.1, NM_001407859.1, NM_001407620.1 and 17 more transcripts); c.1758+16T>G (NM_001408440.1, NM_001408433.1, NM_001408441.1 and 10 more transcripts); c.1761+16T>G (NM_001408428.1, NM_001408429.1, NM_001408426.1 and 4 more transcripts); c.5067+16T>G (NM_001407678.1, NM_001407673.1, NM_001407674.1 and 10 more transcripts); c.5070+16T>G (NM_001407666.1, NM_001407919.1, NM_001407937.1 and 6 more transcripts); c.1767+16T>G (NM_001408418.1, NM_001408420.1, NM_001408419.1); c.1881+16T>G (NM_001407981.1, NM_007298.4, NM_001407986.1 and 12 more transcripts); and 72 more.
Identifiers: ClinVar variation 865123 (VCV000865123.3), dbSNP rs2051850436, ClinGen allele CA916080006.

Conditions:
Breast-ovarian cancer, familial, susceptibility to, 1 (BROVCA1). Also called: BRCA1 Hereditary Breast and Ovarian Cancer; OVARIAN CANCER, SUSCEPTIBILITY TO. Identifiers: Orphanet 145, MedGen C2676676, MONDO:0011450, OMIM 604370. Disease mechanism: loss of function.

Submission:

Brotman Baty Institute, University of Washington
No classification provided (evidence only). Condition: Breast-ovarian cancer, familial 1. Review status: no classification provided. Collection method: in vitro. Allele origin: not applicable. Functional consequence: functionally_normal.
ClinVar note: "not provided" was previously submitted as the classification for the variant. However, the classification appeared to be based only on an observation of functional data so it was converted to no classification on 2025-07-30.